The following is an entry in ClinVar:

NM_005886.3(KATNB1):c.1354C>T (p.Pro452Ser)

Gene: KATNB1 (katanin regulatory subunit B1; plus strand). Cytogenetic location: 16q21.
Variant type: single nucleotide variant.
Coding change: c.1354C>T on transcript NM_005886.3 (MANE Select); coding-DNA position 1354, C replaced by T.
Protein change: p.Pro452Ser; replaces proline 452 with serine.
Molecular consequence: missense variant.
Genome position (GRCh38, 1-based): chr16:57,755,176, C>T. VCF-style: chr16-57755176-C-T. GRCh37 (hg19) VCF-style: chr16-57789088-C-T.
Other names: short protein forms P452S.
Identifiers: ClinVar variation 721869 (VCV000721869.15), dbSNP rs149569503, ClinGen allele CA8081176.
Genomic context (GRCh38, chr16:57,755,176, plus strand): 5'-CAGCTGGAGGTCCTGCCCCGGCCCCCAGTGGTTGCTTCCACACCTGCACCCAAGGCTGAG[C>T]CTGCCATCATCCCTGCCACCCGGAACGAGCCCATCGGGCTGAAGGCCTCCGACTTCCTGC-3'
Protein context (NP_005877.2, residues 442-462): VASTPAPKAE[Pro452Ser]AIIPATRNEP

ClinVar aggregate classification (germline): Likely benign. Review status: criteria provided, multiple submitters, no conflicts (2 of 4 stars). 5 submissions from 5 submitters: Likely benign (4). 1 of the submissions does not count toward it. Last evaluated 2026-01-27.

Conditions:
KATNB1-related disorder. Also called: KATNB1-related condition.

Allele frequency attached by ClinVar (database versions not stated): gnomAD 0.00127 and 0.00132; TOPMed 0.00127; gnomAD exomes 0.00138 and 0.00182; ExAC 0.00155; ESP Exome Variant Server 0.00208.
gnomAD v4.1: 2,804 of 1,612,472 alleles (0.17%); highest among the groups gnomAD compares: Non-Finnish European, 0.22%; 2 homozygotes.

Submissions (5):

Labcorp Genetics (formerly Invitae), Labcorp
Classification: Likely benign. Last evaluated: 2026-01-27. Review status: criteria provided, single submitter. Criteria: Invitae Variant Classification Sherloc (09022015). Collection method: clinical testing. Allele origin: germline.

Women's Health and Genetics/Laboratory Corporation of America, LabCorp
Classification: Likely benign. Last evaluated: 2025-06-17. Review status: criteria provided, single submitter. Criteria: LabCorp Variant Classification Summary - May 2015. Collection method: clinical testing. Allele origin: germline.
Comment: Variant summary: KATNB1 c.1354C>T (p.Pro452Ser) results in a non-conservative amino acid change in the encoded protein sequence. Algorithms developed to predict the effect of missense changes on protein structure and function are either unavailable or do not agree on the potential impact of this missense change. The variant allele was found at a frequency of 0.0014 in 248892 control chromosomes, predominantly at a frequency of 0.0025 within the Non-Finnish European subpopulation in the gnomAD database. The observed variant frequency within Non-Finnish European control individuals in the gnomAD database exceeds the estimated maximal expected allele frequency for a pathogenic variant in KATNB1 causing Lissencephaly 6 With Microcephaly phenotype. To our knowledge, no occurrence of c.1354C>T in individuals affected with Lissencephaly 6 With Microcephaly and no experimental evidence demonstrating its impact on protein function have been reported. ClinVar contains an entry for this variant (Variation ID: 721869). Based on the evidence outlined above, the variant was classified as likely benign.

GeneDx
Classification: Likely benign. Last evaluated: 2021-06-17. Review status: criteria provided, single submitter. Criteria: GeneDx Variant Classification Process June 2021. Collection method: clinical testing. Allele origin: germline. Affected: yes.

Breakthrough Genomics
Classification: Likely benign. Review status: criteria provided, single submitter. Criteria: ACMG Guidelines, 2015. Collection method: not provided. Allele origin: germline. Inheritance: Autosomal recessive inheritance. Affected: yes.

PreventionGenetics, part of Exact Sciences
Classification: Likely benign for KATNB1-related condition. Last evaluated: 2022-02-17. Review status: no assertion criteria provided. Collection method: clinical testing. Allele origin: germline. Not counted in ClinVar's aggregate classification.
Comment: This variant is classified as likely benign based on ACMG/AMP sequence variant interpretation guidelines (Richards et al. 2015 PMID: 25741868, with internal and published modifications).